The following is an entry in ClinVar:

NM_019594.4(LRRC8A):c.211G>C (p.Gly71Arg)

Gene: LRRC8A (leucine rich repeat containing 8 VRAC subunit A; plus strand). Cytogenetic location: 9q34.11.
Variant type: single nucleotide variant.
Coding change: c.211G>C on transcript NM_019594.4 (MANE Select); coding-DNA position 211, G replaced by C.
Protein change: p.Gly71Arg; replaces glycine 71 with arginine.
Molecular consequence: missense variant.
Genome position (GRCh38, 1-based): chr9:128,907,375, G>C. VCF-style: chr9-128907375-G-C. GRCh37 (hg19) VCF-style: chr9-131669654-G-C.
Other names: c.211G>C, p.Gly71Arg (NM_001127244.2, NM_001127245.2); c.211G>C (NM_001127244.1); short protein forms G71R.
Identifiers: ClinVar variation 1955034 (VCV001955034.6), dbSNP rs144778925, ClinGen allele CA200414521.

ClinVar aggregate classification (germline): Uncertain significance. Review status: criteria provided, multiple submitters, no conflicts (2 of 4 stars). 2 submissions from 2 submitters: Uncertain significance (2). Last evaluated 2025-09-24.

Allele frequency attached by ClinVar (database versions not stated): ESP Exome Variant Server 0.00008.
gnomAD v4.1: 24 of 1,613,530 alleles (0.0015%); highest among the groups gnomAD compares: Non-Finnish European, 0.0019%; no homozygotes.

Submissions (2):

Labcorp Genetics (formerly Invitae), Labcorp
Classification: Uncertain significance. Last evaluated: 2025-09-24. Review status: criteria provided, single submitter. Criteria: Invitae Variant Classification Sherloc (09022015). Collection method: clinical testing. Allele origin: germline.
Comment: This sequence change replaces glycine, which is neutral and non-polar, with arginine, which is basic and polar, at codon 71 of the LRRC8A protein (p.Gly71Arg). This variant is not present in population databases (gnomAD no frequency). This variant has not been reported in the literature in individuals affected with LRRC8A-related conditions. ClinVar contains an entry for this variant (Variation ID: 1955034). An algorithm developed to predict the effect of missense changes on protein structure and function (PolyPhen-2) suggests that this variant is likely to be tolerated. In summary, the available evidence is currently insufficient to determine the role of this variant in disease. Therefore, it has been classified as a Variant of Uncertain Significance.

Ambry Genetics
Classification: Uncertain significance. Last evaluated: 2025-02-21. Review status: criteria provided, single submitter. Criteria: Ambry Variant Classification Scheme 2023. Collection method: clinical testing. Allele origin: germline.